The following is an entry in ClinVar:

ClinVar aggregate classification (germline): Pathogenic (1 of 4 stars; one submission).

Conditions:
Marfan syndrome (MFS). Also called: FBN1-Related Marfan Syndrome; MARFAN SYNDROME, TYPE I; Marfan syndrome type 1; Marfan's syndrome; Marfan syndrome, classic. Identifiers: Orphanet 284963, Orphanet 558, MedGen C0024796, MONDO:0007947, OMIM 154700.
Familial thoracic aortic aneurysm and aortic dissection (TAAD). Also called: Thoracic aortic aneurysms and dissections. Identifiers: Orphanet 91387, MedGen C4707243, MONDO:0019625.

Submission:

Labcorp Genetics (formerly Invitae), Labcorp
Classification: Pathogenic for Marfan syndrome; Familial thoracic aortic aneurysm and aortic dissection. Last evaluated: 2025-03-11. Review status: criteria provided, single submitter. Criteria: Invitae Variant Classification Sherloc (09022015). Collection method: clinical testing. Allele origin: germline.
Comment: This sequence change creates a premature translational stop signal (p.Gly1459Trpfs*13) in the FBN1 gene. It is expected to result in an absent or disrupted protein product. Loss-of-function variants in FBN1 are known to be pathogenic (PMID: 17657824, 19293843). This variant is not present in population databases (gnomAD no frequency). This premature translational stop signal has been observed in individual(s) with Marfan syndrome (PMID: 25101912). For these reasons, this variant has been classified as Pathogenic.

Literature cited by the submitters: PubMed 17657824; PubMed 19293843; PubMed 25101912.

NM_000138.5(FBN1):c.4374dup (p.Gly1459fs)

Gene: FBN1 (fibrillin 1; minus strand). Cytogenetic location: 15q21.1.
Variant type: Duplication.
Coding change: c.4374dup on transcript NM_000138.5 (MANE Select); coding-DNA position 4374, one base duplicated (T; older notation c.4374dupT).
Protein change: p.Gly1459fs; shifts the reading frame from glycine 1459.
Molecular consequence: frameshift variant.
Genome position (GRCh38, 1-based): chr15:48,470,719, A duplicated on the plus strand (T on the coding strand, the reverse complement: FBN1 is on the minus strand); the first of 3 consecutive A bases (chr15:48,470,719-48,470,721); duplicating any one gives the same sequence. VCF-style (leftmost placement, unchanged base first): chr15-48470718-C-CA. GRCh37 (hg19) VCF-style: chr15-48762915-C-CA.
Other names: c.4374dup, p.Gly1459fs (NM_001406716.1); short protein forms G1459fs.
Identifiers: ClinVar variation 4783797 (VCV004783797.1).